The following is an entry in ClinVar:

ClinVar aggregate classification (germline): Uncertain significance (1 of 4 stars; one submission).

Allele frequency attached by ClinVar (database versions not stated): gnomAD exomes below 0.00001; TOPMed below 0.00001.
gnomAD v4.1: 2 of 1,612,426 alleles (0.00012%); highest among the groups gnomAD compares: Non-Finnish European, 0.00017%; no homozygotes.

Submission:

Labcorp Genetics (formerly Invitae), Labcorp
Classification: Uncertain significance. Last evaluated: 2022-08-19. Review status: criteria provided, single submitter. Criteria: Invitae Variant Classification Sherloc (09022015). Collection method: clinical testing. Allele origin: germline.
Comment: This sequence change replaces valine, which is neutral and non-polar, with isoleucine, which is neutral and non-polar, at codon 276 of the TBCK protein (p.Val276Ile). This variant is not present in population databases (gnomAD no frequency). This variant has not been reported in the literature in individuals affected with TBCK-related conditions. Algorithms developed to predict the effect of missense changes on protein structure and function (SIFT, PolyPhen-2, Align-GVGD) all suggest that this variant is likely to be tolerated. Algorithms developed to predict the effect of sequence changes on RNA splicing suggest that this variant may create or strengthen a splice site. In summary, the available evidence is currently insufficient to determine the role of this variant in disease. Therefore, it has been classified as a Variant of Uncertain Significance.

NM_001163435.3(TBCK):c.826G>A (p.Val276Ile)

Gene: TBCK (TBC1 domain containing kinase; minus strand). Cytogenetic location: 4q24.
Variant type: single nucleotide variant.
Coding change: c.826G>A on transcript NM_001163435.3 (MANE Select); coding-DNA position 826, G replaced by A.
Protein change: p.Val276Ile; replaces valine 276 with isoleucine.
Molecular consequence: missense variant.
Genome position (GRCh38, 1-based): chr4:106,247,244, C>T on the plus strand (G>A on the coding strand, the complement: TBCK is on the minus strand). VCF-style: chr4-106247244-C-T. GRCh37 (hg19) VCF-style: chr4-107168401-C-T.
Other names: c.826G>A, p.Val276Ile (NM_001163436.4); c.709G>A, p.Val237Ile (NM_001163437.3); c.310G>A, p.Val104Ile (NM_001290768.2); c.637G>A, p.Val213Ile (NM_033115.5); short protein forms V276I, V237I, V104I, V213I.
Identifiers: ClinVar variation 2047741 (VCV002047741.1), dbSNP rs1392535319, ClinGen allele CA357824813.
Genomic context (GRCh38, chr4:106,247,244, plus strand): 5'-ATCTCAGAGAAGATGAAAACAGACTGGCAGGTTTGGTAAAGGGGGTATATAAAGGTGATA[C>T]CTCACTGAATACTTTGTCCTTCATTAATTGATCTGGGGTTGGCCTTGAGAACATTTAAAA-3'
Protein context (NP_001156907.2, residues 266-286): QLMKDKVFSE[Val276Ile]SPLYTPFTKP